The following is an entry in ClinVar:

NM_001130438.3(SPTAN1):c.3415-305T>C

Gene: SPTAN1 (spectrin alpha, non-erythrocytic 1; plus strand). Cytogenetic location: 9q34.11.
Variant type: single nucleotide variant.
Coding change: c.3415-305T>C on transcript NM_001130438.3 (MANE Select); 305 bases into the intron before coding-DNA position 3415, T replaced by C.
Molecular consequence: intron variant.
Genome position (GRCh38, 1-based): chr9:128,598,095, T>C. VCF-style: chr9-128598095-T-C. GRCh37 (hg19) VCF-style: chr9-131360374-T-C.
Other names: c.3415-305T>C (NM_001363759.2, NM_003127.4); c.3355-305T>C (NM_001363765.2, NM_001195532.2).
Identifiers: ClinVar variation 680960 (VCV000680960.1), dbSNP rs112479500, ClinGen allele CA200392134.

ClinVar aggregate classification (germline): Likely benign (1 of 4 stars; one submission).

Allele frequency attached by ClinVar (database versions not stated): 1000 Genomes Project 0.00599; 1000 Genomes Project 30x 0.00765; gnomAD 0.01690 and 0.01743; TOPMed 0.01862.

Submission:

GeneDx
Classification: Likely benign. Last evaluated: 2018-06-19. Review status: criteria provided, single submitter. Criteria: GeneDx Variant Classification (06012015). Collection method: clinical testing. Allele origin: germline. Affected: yes.
Comment: This variant is considered likely benign or benign based on one or more of the following criteria: it is a conservative change, it occurs at a poorly conserved position in the protein, it is predicted to be benign by multiple in silico algorithms, and/or has population frequency not consistent with disease.